The following is an entry in ClinVar:

ClinVar aggregate classification (germline): Pathogenic (1 of 4 stars; one submission).

Conditions:
Progressive microcephaly-seizures-cortical blindness-developmental delay syndrome. Also called: Seizures, cortical blindness, and microcephaly syndrome. Identifiers: Orphanet 477814, MedGen C5567650, MONDO:0014714, OMIM 616632.
Autosomal dominant nonsyndromic hearing loss 1. Also called: DEAFNESS, AUTOSOMAL DOMINANT 1, WITH OR WITHOUT THROMBOCYTOPENIA; KONIGSMARK SYNDROME. Identifiers: Orphanet 90635, MedGen C1852282, MONDO:0007424, OMIM 124900.

Submission:

Labcorp Genetics (formerly Invitae), Labcorp
Classification: Pathogenic for Progressive microcephaly-seizures-cortical blindness-developmental delay syndrome; Autosomal dominant nonsyndromic hearing loss 1. Last evaluated: 2025-03-14. Review status: criteria provided, single submitter. Criteria: Invitae Variant Classification Sherloc (09022015). Collection method: clinical testing. Allele origin: germline.
Comment: This sequence change creates a premature translational stop signal (p.Glu1173Argfs*5) in the DIAPH1 gene. It is expected to result in an absent or disrupted protein product. Loss-of-function variants in DIAPH1 are known to be pathogenic (PMID: 24781755, 26463574). This variant is not present in population databases (gnomAD no frequency). This variant has not been reported in the literature in individuals affected with DIAPH1-related conditions. For these reasons, this variant has been classified as Pathogenic.

Literature cited by the submitters: PubMed 24781755; PubMed 26463574.

NM_005219.5(DIAPH1):c.3516del (p.Glu1173fs)

Gene: DIAPH1 (diaphanous related formin 1; minus strand). Cytogenetic location: 5q31.3.
Variant type: Deletion.
Coding change: c.3516del on transcript NM_005219.5 (MANE Select); coding-DNA position 3516, one base deleted (A; older notation c.3516delA).
Protein change: p.Glu1173fs; shifts the reading frame from glutamic acid 1173.
Molecular consequence: frameshift variant.
Genome position (GRCh38, 1-based): chr5:141,526,096, T deleted on the plus strand (A on the coding strand, the reverse complement: DIAPH1 is on the minus strand). VCF-style (leftmost placement, unchanged base first): chr5-141526095-CT-C. GRCh37 (hg19) VCF-style: chr5-140905662-CT-C.
Other names: c.3489del, p.Glu1164fs (NM_001079812.3); c.3516del, p.Glu1173fs (NM_001314007.2); short protein forms E1164fs, E1173fs.
Identifiers: ClinVar variation 3760376 (VCV003760376.2).